The following is an entry in ClinVar:

ClinVar aggregate classification (germline): Likely benign. Review status: criteria provided, multiple submitters, no conflicts (2 of 4 stars). 4 submissions from 4 submitters: Likely benign (4). Last evaluated 2025-10-08.

Conditions:
Catecholaminergic polymorphic ventricular tachycardia (CVPT). Also called: Catecholamine-induced polymorphic ventricular tachycardia. Identifiers: Orphanet 3286, MedGen C5574922, MONDO:0017990.
Catecholaminergic polymorphic ventricular tachycardia 1. Also called: VENTRICULAR TACHYCARDIA, CATECHOLAMINERGIC POLYMORPHIC, 1, WITH OR WITHOUT ATRIAL DYSFUNCTION AND/OR DILATED CARDIOMYOPATHY; RYR2-Related Catecholaminergic Polymorphic Ventricular Tachycardia; VENTRICULAR TACHYCARDIA, STRESS-INDUCED POLYMORPHIC 1. Identifiers: Orphanet 3286, MedGen C1631597, MONDO:0011484, OMIM 604772.
Cardiomyopathy (CMYO). Also called: Cardiomyopathies. Identifiers: Orphanet 167848, MedGen C0878544, MONDO:0004994, HP:0001638. Inheritance: Various modes of inheritance.
Cardiovascular phenotype. Identifiers: MedGen CN230736.

gnomAD v4.1: 13 of 1,613,378 alleles (0.00081%); highest among the groups gnomAD compares: Non-Finnish European, 0.0011%; no homozygotes.

Submissions (4):

Labcorp Genetics (formerly Invitae), Labcorp
Classification: Likely benign for Catecholaminergic polymorphic ventricular tachycardia 1. Last evaluated: 2025-10-08. Review status: criteria provided, single submitter. Criteria: Invitae Variant Classification Sherloc (09022015). Collection method: clinical testing. Allele origin: germline.

All of Us Research Program, National Institutes of Health
Classification: Likely benign for Catecholaminergic polymorphic ventricular tachycardia. Last evaluated: 2023-10-27. Review status: criteria provided, single submitter. Criteria: ACMG Guidelines, 2015. Collection method: clinical testing. Allele origin: germline. Inheritance: Autosomal dominant inheritance. Observed: 2 variant alleles, 2 heterozygotes.
Comment: This study involves interpretation of variants in research participants for the purpose of population health screening. Participant phenotype was not available at the time of variant classification. Additional details can be found in publication PMID: 35346344, PMCID: PMC8962531

Color Diagnostics, LLC DBA Color Health
Classification: Likely benign for Cardiomyopathy. Last evaluated: 2022-11-06. Review status: criteria provided, single submitter. Criteria: ACMG Guidelines, 2015. Collection method: clinical testing. Allele origin: germline.

Ambry Genetics
Classification: Likely benign for Cardiovascular phenotype. Last evaluated: 2022-02-17. Review status: criteria provided, single submitter. Criteria: Ambry Variant Classification Scheme 2023. Collection method: clinical testing. Allele origin: germline.

NM_001035.3(RYR2):c.14388T>C (p.Ser4796=)

Gene: RYR2 (ryanodine receptor 2; plus strand). Cytogenetic location: 1q43.
Variant type: single nucleotide variant.
Coding change: c.14388T>C on transcript NM_001035.3 (MANE Select); coding-DNA position 14388, T replaced by C.
Protein change: p.Ser4796=; no amino-acid change (serine 4796 retained).
Molecular consequence: synonymous variant.
Genome position (GRCh38, 1-based): chr1:237,808,990, T>C. VCF-style: chr1-237808990-T-C. GRCh37 (hg19) VCF-style: chr1-237972290-T-C.
Identifiers: ClinVar variation 1581783 (VCV001581783.14), dbSNP rs2149446615, ClinGen allele CA424051739.